The following is an entry in ClinVar:

ClinVar aggregate classification (germline): Uncertain significance (1 of 4 stars; one submission).

Conditions:
Acrocallosal syndrome (ACLS). Also called: HALLUX DUPLICATION, POSTAXIAL POLYDACTYLY, AND ABSENCE OF CORPUS CALLOSUM; Schinzel syndrome 1; Absence of corpus callosum with unusual facial appearance, mental deficiency, duplication of the halluces and polydactyly. Identifiers: Orphanet 36, MedGen C0796147, MONDO:0008708, OMIM 200990.

Allele frequency attached by ClinVar (database versions not stated): gnomAD exomes 0.00001; ExAC 0.00002.

Submission:

Labcorp Genetics (formerly Invitae), Labcorp
Classification: Uncertain significance for Acrocallosal syndrome. Last evaluated: 2022-09-01. Review status: criteria provided, single submitter. Criteria: Invitae Variant Classification Sherloc (09022015). Collection method: clinical testing. Allele origin: germline.
Comment: This sequence change replaces leucine, which is neutral and non-polar, with methionine, which is neutral and non-polar, at codon 1076 of the KIF7 protein (p.Leu1076Met). This variant is present in population databases (rs745423935, gnomAD 0.01%). This variant has not been reported in the literature in individuals affected with KIF7-related conditions. ClinVar contains an entry for this variant (Variation ID: 1509453). Algorithms developed to predict the effect of missense changes on protein structure and function output the following: SIFT: "Tolerated"; PolyPhen-2: "Benign"; Align-GVGD: "Class C0". The methionine amino acid residue is found in multiple mammalian species, which suggests that this missense change does not adversely affect protein function. In summary, the available evidence is currently insufficient to determine the role of this variant in disease. Therefore, it has been classified as a Variant of Uncertain Significance.

NM_198525.3(KIF7):c.3226T>A (p.Leu1076Met)

Gene: KIF7 (kinesin family member 7; minus strand). Cytogenetic location: 15q26.1.
Variant type: single nucleotide variant.
Coding change: c.3226T>A on transcript NM_198525.3 (MANE Select); coding-DNA position 3226, T replaced by A.
Protein change: p.Leu1076Met; replaces leucine 1076 with methionine.
Molecular consequence: missense variant.
Genome position (GRCh38, 1-based): chr15:89,630,379, A>T on the plus strand (T>A on the coding strand, the complement: KIF7 is on the minus strand). VCF-style: chr15-89630379-A-T. GRCh37 (hg19) VCF-style: chr15-90173610-A-T.
Other names: short protein forms L1076M.
Identifiers: ClinVar variation 1509453 (VCV001509453.8), dbSNP rs745423935, ClinGen allele CA7727790.
Genomic context (GRCh38, chr15:89,630,379, plus strand): 5'-TCTCTGAGGATGAGAGGTAGCTGAGCTTGGCCATGAGGTTCATCTCGCACTGGGACAGCA[A>T]CGAGGCTGAGGCCCGAAGCACCCGCTGGCGGCATGTGATGGCCTCATTCTTATACTCAAT-3'
Protein context (NP_940927.2, residues 1066-1086): RQRVLRASAS[Leu1076Met]LSQCEMNLMA